The following is an entry in ClinVar:

ClinVar aggregate classification (germline): Benign/Likely benign. Review status: criteria provided, multiple submitters, no conflicts (2 of 4 stars). 5 submissions from 5 submitters: Benign (2); Likely benign (1). 2 of the submissions do not count toward it. Last evaluated 2026-02-01.

Conditions:
GABRD-related disorder. Also called: GABRD-related condition.
Idiopathic generalized epilepsy. Also called: Generalised epilepsy; EIG. Identifiers: MedGen C0270850, MONDO:0005579, OMIM 600669.
Generalized epilepsy with febrile seizures plus type 5 (GEFSP5). Identifiers: MedGen C3501643.

Allele frequency attached by ClinVar (database versions not stated): gnomAD exomes 0.02175 and 0.01725; 1000 Genomes Project 30x 0.00531; 1000 Genomes Project 0.00579; TOPMed 0.01525; gnomAD 0.01643 and 0.01721; ExAC 0.01758.
gnomAD v4.1: 34,275 of 1,611,710 alleles (2.1%); highest among the groups gnomAD compares: Non-Finnish European, 2.4%; 437 homozygotes.

Submissions (5):

Labcorp Genetics (formerly Invitae), Labcorp
Classification: Benign for Idiopathic generalized epilepsy. Last evaluated: 2026-02-01. Review status: criteria provided, single submitter. Criteria: Invitae Variant Classification Sherloc (09022015). Collection method: clinical testing. Allele origin: germline.

Athena Diagnostics
Classification: Benign. Last evaluated: 2024-09-17. Review status: criteria provided, single submitter. Criteria: Athena Diagnostics Criteria. Collection method: clinical testing. Allele origin: unknown.

Breakthrough Genomics
Classification: Likely benign. Review status: criteria provided, single submitter. Criteria: ACMG Guidelines, 2015. Collection method: not provided. Allele origin: germline. Inheritance: Autosomal dominant inheritance. Affected: yes.

PreventionGenetics, part of Exact Sciences
Classification: Benign for GABRD-related condition. Last evaluated: 2019-04-23. Review status: no assertion criteria provided. Collection method: clinical testing. Allele origin: germline. Not counted in ClinVar's aggregate classification.
Comment: This variant is classified as benign based on ACMG/AMP sequence variant interpretation guidelines (Richards et al. 2015 PMID: 25741868, with internal and published modifications).

OMIM
Classification: Benign for RECLASSIFIED - GABRD POLYMORPHISM. Last evaluated: 2005-06-01. Review status: no assertion criteria provided. Collection method: literature only. Allele origin: germline. Not counted in ClinVar's aggregate classification.

Literature cited by the submitters: PubMed 29785705 (cited by Athena Diagnostics); PubMed 30008664 (cited by Athena Diagnostics); PubMed 15115768 (cited by Athena Diagnostics and OMIM); PubMed 16452673 (cited by Athena Diagnostics); PubMed 16023832 (cited by Athena Diagnostics and OMIM); PubMed 16256272 (cited by Athena Diagnostics); PubMed 17559416 (cited by Athena Diagnostics); PubMed 23216579 (cited by Athena Diagnostics); PubMed 28383543 (cited by Athena Diagnostics); Hamosh, A. Personal Communication. 2024. Baltimore, Md. (cited by OMIM).

NM_000815.5(GABRD):c.659G>A (p.Arg220His)

Gene: GABRD (gamma-aminobutyric acid type A receptor subunit delta; plus strand). Cytogenetic location: 1p36.33.
Variant type: single nucleotide variant.
Coding change: c.659G>A on transcript NM_000815.5 (MANE Select); coding-DNA position 659, G replaced by A.
Protein change: p.Arg220His; replaces arginine 220 with histidine.
Molecular consequence: missense variant.
Genome position (GRCh38, 1-based): chr1:2,028,260, G>A. VCF-style: chr1-2028260-G-A. GRCh37 (hg19) VCF-style: chr1-1959699-G-A.
Other names: short protein forms R220H.
Identifiers: ClinVar variation 16213 (VCV000016213.17), dbSNP rs41307846, ClinGen allele CA126276.
Genomic context (GRCh38, chr1:2,028,260, plus strand): 5'-AGGAGCACATCCACGGGCTGGACAAGCTGCAGCTGGCGCAGTTCACCATCACCAGCTACC[G>A]CTTCACCACGGAGCTGATGAACTTCAAGTCCGGTAACATATGCCCGCCGCCCCTTCCGCA-3'
Protein context (NP_000806.2, residues 210-230): QLAQFTITSY[Arg220His]FTTELMNFKS